The following is an entry in ClinVar:

NM_003072.5(SMARCA4):c.3118A>G (p.Met1040Val)

Gene: SMARCA4 (SWI/SNF related BAF chromatin remodeling complex subunit ATPase 4; plus strand). Cytogenetic location: 19p13.2.
Variant type: single nucleotide variant.
Coding change: c.3118A>G on transcript NM_003072.5 (MANE Select); coding-DNA position 3118, A replaced by G.
Protein change: p.Met1040Val; replaces methionine 1040 with valine.
Molecular consequence: missense variant. On other transcripts: non-coding transcript variant (1).
Genome position (GRCh38, 1-based): chr19:11,025,458, A>G. VCF-style: chr19-11025458-A-G. GRCh37 (hg19) VCF-style: chr19-11136134-A-G.
Other names: c.3118A>G (NM_001128849.1); c.3118A>G, p.Met1040Val (NM_001128844.3, NM_001128845.2, NM_001128846.2 and 6 more transcripts); short protein forms M1040V.
Identifiers: ClinVar variation 1721101 (VCV001721101.6), dbSNP rs2146497179, ClinGen allele CA404059207.

ClinVar aggregate classification (germline): Uncertain significance. Review status: criteria provided, multiple submitters, no conflicts (2 of 4 stars). 2 submissions from 2 submitters: Uncertain significance (2). Last evaluated 2025-11-10.

Conditions:
Hereditary cancer-predisposing syndrome. Also called: Hereditary neoplastic syndrome; Neoplastic Syndromes, Hereditary; Hereditary Cancer Syndrome; Tumor predisposition. Identifiers: Orphanet 140162, MedGen C0027672, MeSH D009386, MONDO:0015356.
Rhabdoid tumor predisposition syndrome 2 (RTPS2). Identifiers: Orphanet 231108, Orphanet 69077, MedGen C2750074, MONDO:0013224, OMIM 613325.

Submissions (2):

Ambry Genetics
Classification: Uncertain significance for Hereditary cancer-predisposing syndrome. Last evaluated: 2025-11-10. Review status: criteria provided, single submitter. Criteria: Ambry Variant Classification Scheme 2023. Collection method: clinical testing. Allele origin: germline.
Comment: The p.M1040V variant (also known as c.3118A>G), located in coding exon 21 of the SMARCA4 gene, results from an A to G substitution at nucleotide position 3118. The methionine at codon 1040 is replaced by valine, an amino acid with highly similar properties. This amino acid position is conserved. In addition, this alteration is predicted to be deleterious by in silico analysis. Based on the available evidence, the clinical significance of this variant remains unclear.

Labcorp Genetics (formerly Invitae), Labcorp
Classification: Uncertain significance for Rhabdoid tumor predisposition syndrome 2. Last evaluated: 2022-10-07. Review status: criteria provided, single submitter. Criteria: Invitae Variant Classification Sherloc (09022015). Collection method: clinical testing. Allele origin: germline.
Comment: This sequence change replaces methionine, which is neutral and non-polar, with valine, which is neutral and non-polar, at codon 1040 of the SMARCA4 protein (p.Met1040Val). In summary, the available evidence is currently insufficient to determine the role of this variant in disease. Therefore, it has been classified as a Variant of Uncertain Significance. Advanced modeling of protein sequence and biophysical properties (such as structural, functional, and spatial information, amino acid conservation, physicochemical variation, residue mobility, and thermodynamic stability) has been performed at Invitae for this missense variant, however the output from this modeling did not meet the statistical confidence thresholds required to predict the impact of this variant on SMARCA4 protein function. This variant has not been reported in the literature in individuals affected with SMARCA4-related conditions. This variant is not present in population databases (gnomAD no frequency).